The following is an entry in ClinVar:

ClinVar aggregate classification (germline): Uncertain significance (1 of 4 stars; one submission).

Conditions:
Hereditary cancer-predisposing syndrome. Also called: Hereditary Cancer Syndrome; Hereditary neoplastic syndrome; Neoplastic Syndromes, Hereditary; Tumor predisposition. Identifiers: Orphanet 140162, MedGen C0027672, MeSH D009386, MONDO:0015356.

Submission:

Ambry Genetics
Classification: Uncertain significance for Hereditary cancer-predisposing syndrome. Last evaluated: 2021-07-14. Review status: criteria provided, single submitter. Criteria: Ambry Variant Classification Scheme 2023. Collection method: clinical testing. Allele origin: germline.
Comment: The p.D3260E variant (also known as c.9780T>G), located in coding exon 26 of the BRCA2 gene, results from a T to G substitution at nucleotide position 9780. The aspartic acid at codon 3260 is replaced by glutamic acid, an amino acid with highly similar properties. This amino acid position is not well conserved in available vertebrate species. In addition, this alteration is predicted to be tolerated by in silico analysis. Since supporting evidence is limited at this time, the clinical significance of this alteration remains unclear.

NM_000059.4(BRCA2):c.9780T>G (p.Asp3260Glu)

Gene: BRCA2 (BRCA2 DNA repair associated; plus strand). Cytogenetic location: 13q13.1.
Variant type: single nucleotide variant.
Coding change: c.9780T>G on transcript NM_000059.4 (MANE Select); coding-DNA position 9780, T replaced by G.
Protein change: p.Asp3260Glu; replaces aspartic acid 3260 with glutamic acid.
Molecular consequence: missense variant.
Genome position (GRCh38, 1-based): chr13:32,398,293, T>G. VCF-style: chr13-32398293-T-G. GRCh37 (hg19) VCF-style: chr13-32972430-T-G.
Other names: c.9684T>G, p.Asp3228Glu (NM_001406719.1); c.9729T>G, p.Asp3243Glu (NM_001406720.1); c.4848T>G, p.Asp1616Glu (NM_001406721.1); c.3363T>G, p.Asp1121Glu (NM_001406722.1); short protein forms D1121E, D1616E, D3228E, D3243E, D3260E.
Identifiers: ClinVar variation 1768178 (VCV001768178.2), dbSNP rs531945351, ClinGen allele CA387765902.